The following is an entry in ClinVar:

NM_014612.5(FAM120A):c.2782del (p.Ser928fs)

Gene: FAM120A (family with sequence similarity 120 member A; plus strand). Cytogenetic location: 9q22.31.
Variant type: Deletion.
Coding change: c.2782del on transcript NM_014612.5 (MANE Select); coding-DNA position 2782, one base deleted (A; older notation c.2782delA).
Protein change: p.Ser928fs; shifts the reading frame from serine 928.
Molecular consequence: frameshift variant. On other transcripts: intron variant (3).
Genome position (GRCh38, 1-based): chr9:93,558,694, A deleted. VCF-style (leftmost placement, unchanged base first): chr9-93558693-CA-C. GRCh37 (hg19) VCF-style: chr9-96320975-CA-C.
Other names: NM_001286722.2:c.2779del; c.2752+684del (NM_001439104.1); c.2668+684del (NM_001439105.1); c.2665+684del (NM_001439106.1); c.2779del, p.Ser927fs (NM_001286722.2); c.2866del, p.Ser956fs (NM_001439102.1); c.2863del, p.Ser955fs (NM_001439103.1); short protein forms S927fs, S928fs, S955fs, S956fs.
Identifiers: ClinVar variation 4819473 (VCV004819473.1).

ClinVar aggregate classification (germline): Uncertain significance (1 of 4 stars; one submission).

Conditions:
Neurodevelopmental disorder. Identifiers: MedGen C1535926, MeSH D065886, MONDO:0700092.

Submission:

Broad Center for Mendelian Genomics, Broad Institute of MIT and Harvard
Classification: Uncertain significance for Neurodevelopmental disorder. Last evaluated: 2026-03-02. Review status: criteria provided, single submitter. Criteria: ACMG Guidelines, 2015. Collection method: research. Allele origin: germline. Inheritance: Autosomal dominant inheritance.
Comment: The p.Ser928AlafsTer20 variant in FAM120A has not been previously reported in the literature in individuals with neurodevelopmental disorders, and was absent from large population studies. This variant is predicted to cause a frameshift, which alters the protein’s amino acid sequence beginning at position 928 and leads to a premature termination codon 20 amino acids downstream. This alteration is then predicted to lead to a truncated or absent protein. It is of note that loss of function of FAM120A in an autosomal dominant disease has not yet been established based on the criteria laid out in Tayoun et al., 2018 (PMID: 30192042). While variants in the FAM120A gene have been reported in individuals with neurodevelopmental disorders, this association has not been definitively established. In summary, given the limited information about this gene-disease relationship, the significance of the p.Ser928AlafsTer20 variant is uncertain.